The following is an entry in ClinVar:

NC_000016.9:g.(?_2098588)_(2115656_?)dup

Gene: TSC2 (TSC complex subunit 2; plus strand). Cytogenetic location: 16p13.3.
Variant type: Duplication.
Identifiers: ClinVar variation 2423299 (VCV002423299.2).

ClinVar aggregate classification (germline): Uncertain significance (1 of 4 stars; one submission).

Conditions:
Tuberous sclerosis 2 (TSC2). Identifiers: Orphanet 805, MedGen C1860707, MONDO:0013199, OMIM 613254.

Submission:

Labcorp Genetics (formerly Invitae), Labcorp
Classification: Uncertain significance for Tuberous sclerosis 2. Last evaluated: 2023-11-28. Review status: criteria provided, single submitter. Criteria: Invitae Variant Classification Sherloc (09022015). Collection method: clinical testing. Allele origin: germline.
Comment: This variant results in a copy number gain of the genomic region encompassing exon(s) 2-16 of the TSC2 gene. This region includes the initiator codon of the gene. This copy number gain extends beyond the assayed region for this gene and therefore may encompass additional genes. As the precise location of this event is unknown, it may be in tandem or it may be located elsewhere in the genome. This variant has not been reported in the literature in individuals affected with TSC2-related conditions. In summary, the available evidence is currently insufficient to determine the role of this variant in disease. Therefore, it has been classified as a Variant of Uncertain Significance.